The following is an entry in ClinVar:

ClinVar aggregate classification (germline): Pathogenic (1 of 4 stars; one submission).

Conditions:
Pontocerebellar hypoplasia type 1A (PCH1A). Also called: PONTOCEREBELLAR HYPOPLASIA WITH ANTERIOR HORN CELL DISEASE; PONTOCEREBELLAR HYPOPLASIA WITH INFANTILE SPINAL MUSCULAR ATROPHY. Identifiers: Orphanet 2254, Orphanet 88616, MedGen C1843504, MONDO:0011866, OMIM 607596.

Submission:

Labcorp Genetics (formerly Invitae), Labcorp
Classification: Pathogenic for Pontocerebellar hypoplasia type 1A. Last evaluated: 2023-08-24. Review status: criteria provided, single submitter. Criteria: Invitae Variant Classification Sherloc (09022015). Collection method: clinical testing. Allele origin: germline.
Comment: This variant has not been reported in the literature in individuals affected with VRK1-related conditions. For these reasons, this variant has been classified as Pathogenic. This variant is not present in population databases (gnomAD no frequency). This sequence change creates a premature translational stop signal (p.Leu285*) in the VRK1 gene. It is expected to result in an absent or disrupted protein product. Loss-of-function variants in VRK1 are known to be pathogenic (PMID: 19646678, 24126608, 27281532).

Literature cited by the submitters: PubMed 19646678; PubMed 24126608; PubMed 27281532.

NM_003384.3(VRK1):c.854del (p.Ser284_Leu285insTer)

Gene: VRK1 (VRK serine/threonine kinase 1; plus strand). Cytogenetic location: 14q32.2.
Variant type: Deletion.
Coding change: c.854del on transcript NM_003384.3 (MANE Select); coding-DNA position 854, one base deleted (T; older notation c.854delT).
Protein change: p.Ser284_Leu285insTer.
Molecular consequence: nonsense.
Genome position (GRCh38, 1-based): chr14:96,856,551, T deleted; the last of 3 consecutive T bases (chr14:96,856,549-96,856,551); deleting any one gives the same sequence. VCF-style (leftmost placement, unchanged base first): chr14-96856548-GT-G. GRCh37 (hg19) VCF-style: chr14-97322885-GT-G.
Other names: c.854del, p.Ser284_Leu285insTer (NM_001411051.1, NM_001411053.1).
Identifiers: ClinVar variation 2754805 (VCV002754805.3), dbSNP rs2504196928, ClinGen allele CA2697554139.